The following is an entry in ClinVar:

ClinVar aggregate classification (germline): Uncertain significance. Review status: criteria provided, multiple submitters, no conflicts (2 of 4 stars). 2 submissions from 2 submitters: Uncertain significance (2). Last evaluated 2025-07-30.

Conditions:
Early-infantile DEE. Also called: Early infantile epileptic encephalopathy; Ohtahara syndrome; Early infantile epileptic encephalopathy with suppression bursts. Identifiers: Orphanet 1934, MedGen C0393706, MONDO:0800491.
KCNH5-related disorder. Also called: KCNH5-related condition.

Allele frequency attached by ClinVar (database versions not stated): gnomAD exomes below 0.00001; gnomAD 0.00002; ExAC 0.00003; TOPMed 0.00003; ESP Exome Variant Server 0.00015.
gnomAD v4.1: 7 of 1,501,988 alleles (0.00047%); highest among the groups gnomAD compares: African/African-American, 0.007%; no homozygotes.

Submissions (2):

Labcorp Genetics (formerly Invitae), Labcorp
Classification: Uncertain significance for Early-infantile DEE. Last evaluated: 2025-07-30. Review status: criteria provided, single submitter. Criteria: Invitae Variant Classification Sherloc (09022015). Collection method: clinical testing. Allele origin: germline.
Comment: This sequence change creates a premature translational stop signal (p.Ser974*) in the KCNH5 gene. While this is not anticipated to result in nonsense mediated decay, it is expected to disrupt the last 15 amino acid(s) of the KCNH5 protein. This variant is present in population databases (rs202153924, gnomAD 0.01%). This variant has not been reported in the literature in individuals affected with KCNH5-related conditions. ClinVar contains an entry for this variant (Variation ID: 2907545). Experimental studies and prediction algorithms are not available or were not evaluated, and the functional significance of this variant is currently unknown. In summary, the available evidence is currently insufficient to determine the role of this variant in disease. Therefore, it has been classified as a Variant of Uncertain Significance.

PreventionGenetics, part of Exact Sciences
Classification: Uncertain significance for KCNH5-related condition. Last evaluated: 2025-04-29. Review status: criteria provided, single submitter. Criteria: ACMG Guidelines, 2015. Collection method: clinical testing. Allele origin: germline.
Comment: The KCNH5 c.2921C>G variant is predicted to result in premature protein termination (p.Ser974*). However, this variant resides in the last exon of the gene and is therefore not predicted to cause nonsense-mediated-decay. To our knowledge, this variant has not been reported in the literature. This variant is reported in 0.013% of alleles in individuals of African descent in gnomAD. Premature-termination has not been established as a mechanism of KCNH5-related disease. At this time, the clinical significance of this variant is uncertain due to the absence of conclusive functional and genetic evidence.

NM_139318.5(KCNH5):c.2921C>G (p.Ser974Ter)

Gene: KCNH5 (potassium voltage-gated channel subfamily H member 5; minus strand). Cytogenetic location: 14q23.2.
Variant type: single nucleotide variant.
Coding change: c.2921C>G on transcript NM_139318.5 (MANE Select); coding-DNA position 2921, C replaced by G.
Protein change: p.Ser974Ter; replaces serine 974 with a stop codon.
Molecular consequence: nonsense. On other transcripts: 3 prime UTR variant (1).
Genome position (GRCh38, 1-based): chr14:62,707,554, G>C on the plus strand (C>G on the coding strand, the complement: KCNH5 is on the minus strand). VCF-style: chr14-62707554-G-C. GRCh37 (hg19) VCF-style: chr14-63174272-G-C.
Other names: c.2921C>G (NM_139318.4); c.*888C>G (NM_172375.3); short protein forms S974*.
Identifiers: ClinVar variation 2907545 (VCV002907545.4), dbSNP rs202153924, ClinGen allele CA7217155.